The following is an entry in ClinVar:

NM_182914.3(SYNE2):c.8764A>G (p.Ile2922Val)

Gene: SYNE2 (spectrin repeat containing nuclear envelope protein 2; plus strand). Cytogenetic location: 14q23.2.
Variant type: single nucleotide variant.
Coding change: c.8764A>G on transcript NM_182914.3 (MANE Select); coding-DNA position 8764, A replaced by G.
Protein change: p.Ile2922Val; replaces isoleucine 2922 with valine.
Molecular consequence: missense variant.
Genome position (GRCh38, 1-based): chr14:64,052,677, A>G. VCF-style: chr14-64052677-A-G. GRCh37 (hg19) VCF-style: chr14-64519395-A-G.
Other names: c.8764A>G, p.Ile2922Val (NM_015180.6); short protein forms I2922V.
Identifiers: ClinVar variation 3012225 (VCV003012225.3), dbSNP rs1212574097, ClinGen allele CA389971019.

ClinVar aggregate classification (germline): Uncertain significance (1 of 4 stars; one submission).

Conditions:
Emery-Dreifuss muscular dystrophy 5, autosomal dominant (EDMD5). Also called: EMERY-DREIFUSS MUSCULAR DYSTROPHY 5. Identifiers: Orphanet 261, MedGen C2751805, MONDO:0013072, OMIM 612999.

Allele frequency attached by ClinVar (database versions not stated): gnomAD exomes below 0.00001.
gnomAD v4.1: 1 of 1,613,872 alleles (0.000062%); no homozygotes.

Submission:

Labcorp Genetics (formerly Invitae), Labcorp
Classification: Uncertain significance for Emery-Dreifuss muscular dystrophy 5, autosomal dominant. Last evaluated: 2022-12-05. Review status: criteria provided, single submitter. Criteria: Invitae Variant Classification Sherloc (09022015). Collection method: clinical testing. Allele origin: germline.
Comment: Algorithms developed to predict the effect of missense changes on protein structure and function (SIFT, PolyPhen-2, Align-GVGD) all suggest that this variant is likely to be tolerated. In summary, the available evidence is currently insufficient to determine the role of this variant in disease. Therefore, it has been classified as a Variant of Uncertain Significance. This sequence change replaces isoleucine, which is neutral and non-polar, with valine, which is neutral and non-polar, at codon 2922 of the SYNE2 protein (p.Ile2922Val). This variant is present in population databases (no rsID available, gnomAD 0.004%). This variant has not been reported in the literature in individuals affected with SYNE2-related conditions.